The following is an entry in ClinVar:

ClinVar aggregate classification (germline): Uncertain significance (1 of 4 stars; one submission).

Submission:

GeneDx
Classification: Uncertain significance. Last evaluated: 2025-05-13. Review status: criteria provided, single submitter. Criteria: GeneDx Variant Classification Process June 2021. Collection method: clinical testing. Allele origin: germline. Affected: yes.
Comment: Not observed at significant frequency in large population cohorts (gnomAD); In silico analysis supports that this missense variant has a deleterious effect on protein structure/function; Has not been previously published as pathogenic or benign to our knowledge

NM_004408.4(DNM1):c.398C>G (p.Thr133Ser)

Genes: DNM1 (dynamin 1; plus strand), LOC113839516 (Sharpr-MPRA regulatory region 8497; plus strand). Cytogenetic location: 9q34.11.
Variant type: single nucleotide variant.
Coding change: c.398C>G on transcript NM_004408.4 (MANE Select); coding-DNA position 398, C replaced by G.
Protein change: p.Thr133Ser; replaces threonine 133 with serine.
Molecular consequence: missense variant.
Genome position (GRCh38, 1-based): chr9:128,219,061, C>G. VCF-style: chr9-128219061-C-G. GRCh37 (hg19) VCF-style: chr9-130981340-C-G.
Other names: c.398C>G, p.Thr133Ser (NM_001005336.3, NM_001288737.2, NM_001288738.2 and 2 more transcripts); short protein forms T133S.
Identifiers: ClinVar variation 4529946 (VCV004529946.1).
Genomic context (GRCh38, chr9:128,219,061, plus strand): 5'-GCGGCCACGCCCCTCGCCTTGAGCCCGCCCTCTCGCCGCCCTGTCCAGTGCTGAACCTGA[C>G]CCTGGTGGACCTGCCCGGAATGACCAAGGTCCCGGTGGGGGACCAACCTCCCGACATCGA-3'
Protein context (NP_004399.2, residues 123-143): RVYSPHVLNL[Thr133Ser]LVDLPGMTKV